The following is an entry in ClinVar:

NM_001365536.1(SCN9A):c.4643A>T (p.Tyr1548Phe)

Genes: SCN1A-AS1 (SCN1A and SCN9A antisense RNA 1; plus strand), SCN9A (sodium voltage-gated channel alpha subunit 9; minus strand). Cytogenetic location: 2q24.3.
Variant type: single nucleotide variant.
Coding change: c.4643A>T on transcript NM_001365536.1 (MANE Select); coding-DNA position 4643, A replaced by T.
Protein change: p.Tyr1548Phe; replaces tyrosine 1548 with phenylalanine.
Molecular consequence: missense variant.
Genome position (GRCh38, 1-based): chr2:166,204,086, T>A on the plus strand (A>T on the coding strand, the complement: SCN9A is on the minus strand). VCF-style: chr2-166204086-T-A. GRCh37 (hg19) VCF-style: chr2-167060596-T-A.
Other names: c.4610A>T, p.Tyr1537Phe (NM_002977.4); short protein forms Y1537F, Y1548F.
Identifiers: ClinVar variation 4783381 (VCV004783381.1).

ClinVar aggregate classification (germline): Uncertain significance (1 of 4 stars; one submission).

Conditions:
Neuropathy, hereditary sensory and autonomic, type 2A (HSAN2A). Also called: ACROOSTEOLYSIS, GIACCAI TYPE; ACROOSTEOLYSIS, NEUROGENIC; WNK1-Related HSAN2 (HSAN2A); NEUROPATHY, HEREDITARY SENSORY RADICULAR, AUTOSOMAL RECESSIVE; MORVAN DISEASE; NEUROPATHY, CONGENITAL SENSORY. Identifiers: Orphanet 970, MedGen C2752089, MONDO:0024309, OMIM 201300.
Generalized epilepsy with febrile seizures plus, type 7 (GEFSP7). Also called: GEFS+, TYPE 7. Identifiers: Orphanet 36387, MedGen C2751778, MONDO:0013470, OMIM 613863.

Submission:

Labcorp Genetics (formerly Invitae), Labcorp
Classification: Uncertain significance for Neuropathy, hereditary sensory and autonomic, type 2A; Generalized epilepsy with febrile seizures plus, type 7. Last evaluated: 2025-07-15. Review status: criteria provided, single submitter. Criteria: Invitae Variant Classification Sherloc (09022015). Collection method: clinical testing. Allele origin: germline.
Comment: This sequence change replaces tyrosine, which is neutral and polar, with phenylalanine, which is neutral and non-polar, at codon 1537 of the SCN9A protein (p.Tyr1537Phe). This variant is not present in population databases (gnomAD no frequency). This variant has not been reported in the literature in individuals affected with SCN9A-related conditions. Invitae Evidence Modeling of protein sequence and biophysical properties (such as structural, functional, and spatial information, amino acid conservation, physicochemical variation, residue mobility, and thermodynamic stability) indicates that this missense variant is not expected to disrupt SCN9A protein function with a negative predictive value of 95%. In summary, the available evidence is currently insufficient to determine the role of this variant in disease. Therefore, it has been classified as a Variant of Uncertain Significance.